The following is an entry in ClinVar:

ClinVar aggregate classification (germline): Uncertain significance (1 of 4 stars; one submission).

Allele frequency attached by ClinVar (database versions not stated): gnomAD exomes below 0.00001.
gnomAD v4.1: 1 of 1,612,710 alleles (0.000062%); highest among the groups gnomAD compares: Non-Finnish European, 0.000085%; no homozygotes.

Submission:

Ambry Genetics
Classification: Uncertain significance. Last evaluated: 2021-08-15. Review status: criteria provided, single submitter. Criteria: Ambry Variant Classification Scheme 2023. Collection method: clinical testing. Allele origin: germline.
Comment: The p.H1047Y variant (also known as c.3139C>T), located in coding exon 16 of the POLQ gene, results from a C to T substitution at nucleotide position 3139. The histidine at codon 1047 is replaced by tyrosine, an amino acid with similar properties. This amino acid position is conserved. In addition, this alteration is predicted to be tolerated by in silico analysis. Since supporting evidence is limited at this time, the clinical significance of this alteration remains unclear.

NM_199420.4(POLQ):c.3139C>T (p.His1047Tyr)

Gene: POLQ (DNA polymerase theta; minus strand). Cytogenetic location: 3q13.33.
Variant type: single nucleotide variant.
Coding change: c.3139C>T on transcript NM_199420.4 (MANE Select); coding-DNA position 3139, C replaced by T.
Protein change: p.His1047Tyr; replaces histidine 1047 with tyrosine.
Molecular consequence: missense variant.
Genome position (GRCh38, 1-based): chr3:121,489,792, G>A on the plus strand (C>T on the coding strand, the complement: POLQ is on the minus strand). VCF-style: chr3-121489792-G-A. GRCh37 (hg19) VCF-style: chr3-121208639-G-A.
Other names: short protein forms H1047Y.
Identifiers: ClinVar variation 1728048 (VCV001728048.2), dbSNP rs2546787760, ClinGen allele CA354101609.